The following is an entry in ClinVar:

NM_001009944.3(PKD1):c.11248C>T (p.Arg3750Trp)

Genes: PKD1 (polycystin 1, transient receptor potential channel interacting; minus strand), PKD1-AS1 (PKD1 antisense RNA 1; plus strand). Cytogenetic location: 16p13.3.
Variant type: single nucleotide variant.
Coding change: c.11248C>T on transcript NM_001009944.3 (MANE Select); coding-DNA position 11248, C replaced by T.
Protein change: p.Arg3750Trp; replaces arginine 3750 with tryptophan.
Molecular consequence: missense variant.
Genome position (GRCh38, 1-based): chr16:2,092,501, G>A on the plus strand (C>T on the coding strand, the complement: PKD1 is on the minus strand). VCF-style: chr16-2092501-G-A. GRCh37 (hg19) VCF-style: chr16-2142502-G-A.
Other names: c.11245C>T, p.Arg3749Trp (NM_000296.4); short protein forms R3749W, R3750W.
Identifiers: ClinVar variation 2631710 (VCV002631710.5), dbSNP rs1356378120, ClinGen allele CA394336170.
Genomic context (GRCh38, chr16:2,092,501, plus strand): 5'-GGAACGATTTAAGTCTTGGGGCACGCCCTGCCAGCTCACCTTCCTGCAGCCGCACCTGCC[G>A]CAGCCGTGGGGGCCCCAGCTCTGGGCTGGACTGGTTCCCGTGGACGTAGGGCAGCAGCAC-3'
Protein context (NP_001009944.3, residues 3740-3760): SSPELGPPRL[Arg3750Trp]QVRLQEALYP

ClinVar aggregate classification (germline): Likely pathogenic. Review status: criteria provided, multiple submitters, no conflicts (2 of 4 stars). 2 submissions from 2 submitters: Likely pathogenic (2). Last evaluated 2025-11-06.

Conditions:
PKD1-related disorder. Also called: PKD1-related condition.

Allele frequency attached by ClinVar (database versions not stated): gnomAD exomes below 0.00001.
gnomAD v4.1: 4 of 1,610,224 alleles (0.00025%); highest among the groups gnomAD compares: East Asian, 0.0022%; no homozygotes.

Submissions (2):

PreventionGenetics, part of Exact Sciences
Classification: Likely pathogenic for PKD1-related condition. Last evaluated: 2025-11-06. Review status: criteria provided, single submitter. Criteria: ACMG Guidelines, 2015. Collection method: clinical testing. Allele origin: germline.
Comment: The PKD1 c.11248C>T variant is predicted to result in the amino acid substitution p.Arg3750Trp. This variant has been reported in an individual with autosomal dominant polycystic kidney disease (ADPKD) (Supplementary Table 2, Jin et al. 2016. PubMed ID: 27782177). This variant is reported in 0.0055% of alleles in individuals of East Asian descent in gnomAD. Of note, different substitutions at the same codon have been reported in individuals with ADPKD (p.Arg3750Gly at Obeidová et al. 2014. PubMed ID: 24694054 and He et al. 2018. PubMed ID: 30333007; p.Arg3750Gln reported as p.Arg3749Gln at Hoefele et al. 2010. PubMed ID: 21115670 and an online resource; p.Arg3750Pro at Raj et al. 2020. PubMed ID: 32823016 and Supplementary Data of Lindemann et al. 2023. PubMed ID: 36938073). The REVEL (rare exome variant ensemble learner) program predicts the c.11248C>T (p.Arg3750Trp) variant is pathogenic at a "moderate" level (Ioannidis et al. 2016. PubMed ID: 27666373; Bergquist et al. 2024. PubMed ID: 39345488). Taken together, this variant is interpreted as likely pathogenic.

Laboratory of Genetics, Children's Clinical University Hospital Latvia
Classification: Likely pathogenic. Last evaluated: 2025-02-16. Review status: criteria provided, single submitter. Criteria: ACMG Guidelines, 2015. Collection method: clinical testing. Allele origin: germline. Affected: yes.